The following is an entry in ClinVar:

ClinVar aggregate classification (germline): Pathogenic. Review status: reviewed by expert panel (3 of 4 stars). 2 submissions from 2 submitters: Pathogenic (1). 1 of the submissions does not count toward it. Last evaluated 2017-12-15.

Conditions:
Breast neoplasm. Also called: Neoplasm of breast; Breast tumor; Neoplasm of the breast; Breast Neoplasms. Identifiers: MedGen C1458155, MeSH D001943, MONDO:0021100, HP:0100013. Disease mechanism: gain of function.
Breast-ovarian cancer, familial, susceptibility to, 2 (BROVCA2). Also called: BRCA2 Hereditary Breast and Ovarian Cancer. Identifiers: Orphanet 145, MedGen C2675520, MONDO:0012933, OMIM 612555. Disease mechanism: loss of function.

Submissions (2):

Evidence-based Network for the Interpretation of Germline Mutant Alleles (ENIGMA)
Classification: Pathogenic for Breast-ovarian cancer, familial, susceptibility to, 2. Last evaluated: 2017-12-15. Review status: reviewed by expert panel. Criteria: ENIGMA BRCA1/2 Classification Criteria (2017-06-29). Collection method: curation. Allele origin: germline. Study: ENIGMA.
Comment: Variant allele predicted to encode a truncated non-functional protein.

Laboratory of Molecular Diagnosis of Cancer, West China Hospital, Sichuan University
Classification: Pathogenic for Breast neoplasm. Last evaluated: 2015-11-01. Review status: criteria provided, single submitter. Criteria: ACMG Guidelines, 2015. Collection method: research. Allele origin: germline. Affected: yes. Observed: 1 variant allele. Not counted in ClinVar's aggregate classification.

Literature cited by the submitters: PubMed 27257965 (cited by Laboratory of Molecular Diagnosis of Cancer, West China Hospital, Sichuan University).

NM_000059.4(BRCA2):c.9011del (p.Lys3004fs)

Gene: BRCA2 (BRCA2 DNA repair associated; plus strand). Cytogenetic location: 13q13.1.
Variant type: Deletion.
Coding change: c.9011del on transcript NM_000059.4 (MANE Select); coding-DNA position 9011, one base deleted (A; older notation c.9011delA).
Protein change: p.Lys3004fs; shifts the reading frame from lysine 3004.
Molecular consequence: frameshift variant.
Genome position (GRCh38, 1-based): chr13:32,379,807, A deleted; the last of 3 consecutive A bases (chr13:32,379,805-32,379,807); deleting any one gives the same sequence. VCF-style (leftmost placement, unchanged base first): chr13-32379804-GA-G. GRCh37 (hg19) VCF-style: chr13-32953941-GA-G.
Other names: c.9011delA (NM_000059.3).
Identifiers: ClinVar variation 224447 (VCV000224447.3), dbSNP rs886037804, ClinGen allele CA10575932.